The following is an entry in ClinVar:

NM_017654.4(SAMD9):c.3192T>G (p.Asn1064Lys)

Gene: SAMD9 (sterile alpha motif domain containing 9; minus strand). Cytogenetic location: 7q21.2.
Variant type: single nucleotide variant.
Coding change: c.3192T>G on transcript NM_017654.4 (MANE Select); coding-DNA position 3192, T replaced by G.
Protein change: p.Asn1064Lys; replaces asparagine 1064 with lysine.
Molecular consequence: missense variant.
Genome position (GRCh38, 1-based): chr7:93,102,906, A>C on the plus strand (T>G on the coding strand, the complement: SAMD9 is on the minus strand). VCF-style: chr7-93102906-A-C. GRCh37 (hg19) VCF-style: chr7-92732219-A-C.
Other names: c.3192T>G, p.Asn1064Lys (NM_001193307.2); short protein forms N1064K.
Identifiers: ClinVar variation 1337636 (VCV001337636.16), dbSNP rs373641119, ClinGen allele CA4342732.

ClinVar aggregate classification (germline): Uncertain significance. Review status: criteria provided, multiple submitters, no conflicts (2 of 4 stars). 5 submissions from 5 submitters: Uncertain significance (5). Last evaluated 2025-12-15.

Conditions:
MIRAGE syndrome. Also called: MYELODYSPLASIA, INFECTION, RESTRICTION OF GROWTH, ADRENAL HYPOPLASIA, GENITAL PHENOTYPES, AND ENTEROPATHY. Identifiers: Orphanet 494433, MedGen C4284088, MONDO:0014888, OMIM 617053.
SAMD9-related disorder. Also called: SAMD9-related condition.
Inborn genetic diseases. Identifiers: MedGen C0950123, MeSH D030342.

Allele frequency attached by ClinVar (database versions not stated): ExAC 0.00001; gnomAD 0.00001 and 0.00002; gnomAD exomes 0.00001.
gnomAD v4.1: 19 of 1,613,738 alleles (0.0012%); highest among the groups gnomAD compares: South Asian, 0.0077%; no homozygotes.

Submissions (5):

Labcorp Genetics (formerly Invitae), Labcorp
Classification: Uncertain significance. Last evaluated: 2025-12-15. Review status: criteria provided, single submitter. Criteria: Invitae Variant Classification Sherloc (09022015). Collection method: clinical testing. Allele origin: germline.
Comment: This sequence change replaces asparagine, which is neutral and polar, with lysine, which is basic and polar, at codon 1064 of the SAMD9 protein (p.Asn1064Lys). This variant is present in population databases (rs373641119, gnomAD 0.02%). This variant has not been reported in the literature in individuals affected with SAMD9-related conditions. ClinVar contains an entry for this variant (Variation ID: 1337636). Invitae Evidence Modeling of protein sequence and biophysical properties (such as structural, functional, and spatial information, amino acid conservation, physicochemical variation, residue mobility, and thermodynamic stability) indicates that this missense variant is not expected to disrupt SAMD9 protein function with a negative predictive value of 95%. In summary, the available evidence is currently insufficient to determine the role of this variant in disease. Therefore, it has been classified as a Variant of Uncertain Significance.

PreventionGenetics, part of Exact Sciences
Classification: Uncertain significance for SAMD9-related condition. Last evaluated: 2025-09-11. Review status: criteria provided, single submitter. Criteria: ACMG Guidelines, 2015. Collection method: clinical testing. Allele origin: germline.
Comment: The SAMD9 c.3192T>G variant is predicted to result in the amino acid substitution p.Asn1064Lys. To our knowledge, this variant has not been reported in the literature. This variant is reported in 0.010% of alleles in individuals of East Asian descent in gnomAD. At this time, the clinical significance of this variant is uncertain due to the absence of conclusive functional and genetic evidence.

Ambry Genetics
Classification: Uncertain significance for Inborn genetic diseases. Last evaluated: 2025-01-01. Review status: criteria provided, single submitter. Criteria: Ambry Variant Classification Scheme 2023. Collection method: clinical testing. Allele origin: germline.

Victorian Clinical Genetics Services, Murdoch Childrens Research Institute
Classification: Uncertain significance for MIRAGE syndrome. Last evaluated: 2021-05-06. Review status: criteria provided, single submitter. Criteria: ACMG Guidelines, 2015. Collection method: clinical testing. Allele origin: germline. Inheritance: Autosomal dominant inheritance.
Comment: Based on the classification scheme VCGS_Germline_v1.3.4, this variant is classified as VUS-3B. Following criteria are met: 0103 - Loss of function and gain of function are reported mechanisms of disease in this gene. Loss of function is associated with normophosphatemic familial tumoral calcinosis (MIM#610455), whereas gain of function variants have been reported for both MIRAGE syndrome (MIM#617053) and monosomy 7 myelodysplasia and leukemia syndrome 2 (MIM#619041) (PMIDs: 33427306, 32106287, 16960814, 18094730). (I) 0108 - This gene is associated with both recessive and dominant disease (OMIM). A patient with MIRAGE syndrome has been reported with a biallelic missense and no clinical or histological findings consistent with normophosphatemic familial tumoral calcinosis (PMID: 32106287). (I) 0112 - The condition associated with this gene has incomplete penetrance (PMID: 28487541). (I) 0115 - Variants in this gene are known to have variable expressivity (PMIDs: 33427306, 32106287). (I) 0200 - Variant is predicted to result in a missense amino acid change from asparagine to lysine. (I) 0252 - This variant is homozygous. (I) 0302 - Variant is present in gnomAD <0.001 for a dominant condition (v2: 3 heterozygotes, 0 homozygotes). (SP) 0502 - Missense variant with conflicting in silico predictions and uninformative conservation. (I) 0604 - Variant is not located in an established domain, motif, hotspot or informative constraint region. (I) 0705 - No comparable missense variants have previous evidence for pathogenicity. (I) 0807 - This variant has no previous evidence of pathogenicity. (I) 0905 - No published segregation evidence has been identified for this variant. (I) 1007 - No published functional evidence has been identified for this variant. (I) 1208 - Inheritance information for this variant is not currently available in this individual. (I) Legend: (SP) - Supporting pathogenic, (I) - Information, (SB) - Supporting benign

Genetic Services Laboratory, University of Chicago
Classification: Uncertain significance. Last evaluated: 2020-05-07. Review status: criteria provided, single submitter. Criteria: ACMG Guidelines, 2015. Collection method: clinical testing. Allele origin: germline. Affected: no.
Comment: DNA sequence analysis of the SAMD9 gene demonstrated a sequence change, c.3192T>G, in exon 3 that results in an amino acid change, p.Asn1064Lys. This sequence change does not appear to have been previously described in patients with SAMD9-related disorders and has been described in the gnomAD database in three individuals (dbSNP rs373641119). The p.Asn1064Lys change affects a moderately conserved amino acid residue located in a domain of the SAMD9 protein that is not known to be functional. In-silico pathogenicity prediction tools (SIFT, PolyPhen2, Align GVGD, REVEL) provide contradictory results for the p.Asn1064Lys substitution. Due to these contrasting evidences and the lack of functional studies, the clinical significance of the p.Asn1064Lys change remains unknown at this time.

Literature cited by the submitters: PubMed 16960814 (cited by Victorian Clinical Genetics Services, Murdoch Childrens Research Institute); PubMed 18094730 (cited by Victorian Clinical Genetics Services, Murdoch Childrens Research Institute); PubMed 28487541 (cited by Victorian Clinical Genetics Services, Murdoch Childrens Research Institute); PubMed 32106287 (cited by Victorian Clinical Genetics Services, Murdoch Childrens Research Institute); PubMed 33427306 (cited by Victorian Clinical Genetics Services, Murdoch Childrens Research Institute).